The following is an entry in ClinVar:

ClinVar aggregate classification (germline): Pathogenic (1 of 4 stars; one submission).

Submission:

Labcorp Genetics (formerly Invitae), Labcorp
Classification: Pathogenic. Last evaluated: 2023-12-14. Review status: criteria provided, single submitter. Criteria: Invitae Variant Classification Sherloc (09022015). Collection method: clinical testing. Allele origin: germline.
Comment: This sequence change creates a premature translational stop signal (p.Glu80*) in the XPA gene. It is expected to result in an absent or disrupted protein product. Loss-of-function variants in XPA are known to be pathogenic (PMID: 27607234). This variant is not present in population databases (gnomAD no frequency). This variant has not been reported in the literature in individuals affected with XPA-related conditions. For these reasons, this variant has been classified as Pathogenic.

Literature cited by the submitters: PubMed 27607234.

NM_000380.4(XPA):c.238G>T (p.Glu80Ter)

Gene: XPA (XPA, DNA damage recognition and repair factor; minus strand). Cytogenetic location: 9q22.33.
Variant type: single nucleotide variant.
Coding change: c.238G>T on transcript NM_000380.4 (MANE Select); coding-DNA position 238, G replaced by T.
Protein change: p.Glu80Ter; replaces glutamic acid 80 with a stop codon.
Molecular consequence: nonsense. On other transcripts: non-coding transcript variant (5).
Genome position (GRCh38, 1-based): chr9:97,693,694, C>A on the plus strand (G>T on the coding strand, the complement: XPA is on the minus strand). VCF-style: chr9-97693694-C-A. GRCh37 (hg19) VCF-style: chr9-100455976-C-A.
Other names: c.112G>T, p.Glu38Ter (NM_001354975.2); short protein forms E38*, E80*.
Identifiers: ClinVar variation 2703119 (VCV002703119.3), dbSNP rs2490237785, ClinGen allele CA374188102.